The following is an entry in ClinVar:

ClinVar aggregate classification (germline): Uncertain significance (0 of 4 stars; one submission).

gnomAD v4.1: 1 of 1,613,132 alleles (0.000062%); no homozygotes.

Submission:

Department of Pathology and Laboratory Medicine, Sinai Health System
Classification: Uncertain significance. Review status: no assertion criteria provided. Collection method: clinical testing. Allele origin: unknown. Affected: yes. Study: The Canadian Open Genetics Repository (COGR).
Comment: The SETX p.Q986H variant was not identified in the literature nor was it identified in dbSNP, ClinVar or in the following control databases: the 1000 Genomes Project, the NHLBI GO Exome Sequencing Project, or the Genome Aggregation Database (March 6, 2019, v2.1.1). The p.Q986 residue is conserved in mammals and computational analyses (MUT Assesor, SIFT, MutationTaster, Revel, FATHMM, MetaLR, DANN) provide inconsistent predictions regarding the impact to the protein; this information is not very predictive of pathogenicity. The variant occurs outside of the splicing consensus sequence and in silico or computational prediction software programs (Splice AI exome) do not predict a difference in splicing. In summary, based on the above information the clinical significance of this variant cannot be determined with certainty at this time. This variant is classified as a variant of uncertain significance.

NM_015046.7(SETX):c.2958G>C (p.Gln986His)

Gene: SETX (senataxin; minus strand). Cytogenetic location: 9q34.13.
Variant type: single nucleotide variant.
Coding change: c.2958G>C on transcript NM_015046.7 (MANE Select); coding-DNA position 2958, G replaced by C.
Protein change: p.Gln986His; replaces glutamine 986 with histidine.
Molecular consequence: missense variant.
Genome position (GRCh38, 1-based): chr9:132,328,640, C>G on the plus strand (G>C on the coding strand, the complement: SETX is on the minus strand). VCF-style: chr9-132328640-C-G. GRCh37 (hg19) VCF-style: chr9-135204027-C-G.
Other names: c.2958G>C, p.Gln986His (NM_001351527.2, NM_001351528.2); short protein forms Q986H.
Identifiers: ClinVar variation 1049237 (VCV001049237.1), dbSNP rs969060686, ClinGen allele CA375333077.